The following is an entry in ClinVar:

NM_001903.5(CTNNA1):c.395T>A (p.Leu132His)

Gene: CTNNA1 (catenin alpha 1; plus strand). Cytogenetic location: 5q31.2.
Variant type: single nucleotide variant.
Coding change: c.395T>A on transcript NM_001903.5 (MANE Select); coding-DNA position 395, T replaced by A.
Protein change: p.Leu132His; replaces leucine 132 with histidine.
Molecular consequence: missense variant.
Genome position (GRCh38, 1-based): chr5:138,810,131, T>A. VCF-style: chr5-138810131-T-A. GRCh37 (hg19) VCF-style: chr5-138145820-T-A.
Other names: c.395T>A, p.Leu132His (NM_001290307.3, NM_001323982.2, NM_001323983.1 and 3 more transcripts); c.86T>A, p.Leu29His (NM_001290309.3); c.26T>A, p.Leu9His (NM_001290310.3); short protein forms L132H, L29H, L9H.
Identifiers: ClinVar variation 3498231 (VCV003498231.1).

ClinVar aggregate classification (germline): Uncertain significance (1 of 4 stars; one submission).

Conditions:
Hereditary cancer-predisposing syndrome. Also called: Tumor predisposition; Neoplastic Syndromes, Hereditary; Hereditary Cancer Syndrome; Hereditary neoplastic syndrome. Identifiers: Orphanet 140162, MedGen C0027672, MeSH D009386, MONDO:0015356.

Submission:

Ambry Genetics
Classification: Uncertain significance for Hereditary cancer-predisposing syndrome. Last evaluated: 2024-08-21. Review status: criteria provided, single submitter. Criteria: Ambry Variant Classification Scheme 2023. Collection method: clinical testing. Allele origin: germline.
Comment: The p.L132H variant (also known as c.395T>A), located in coding exon 3 of the CTNNA1 gene, results from a T to A substitution at nucleotide position 395. The leucine at codon 132 is replaced by histidine, an amino acid with similar properties. This amino acid position is conserved. In addition, this alteration is predicted to be deleterious by in silico analysis. Based on the available evidence, the clinical significance of this variant remains unclear.